The following is an entry in ClinVar:

NM_001134363.3(RBM20):c.3169C>G (p.Arg1057Gly)

Gene: RBM20 (RNA binding motif protein 20; plus strand). Cytogenetic location: 10q25.2.
Variant type: single nucleotide variant.
Coding change: c.3169C>G on transcript NM_001134363.3 (MANE Select); coding-DNA position 3169, C replaced by G.
Protein change: p.Arg1057Gly; replaces arginine 1057 with glycine.
Molecular consequence: missense variant.
Genome position (GRCh38, 1-based): chr10:110,821,788, C>G. VCF-style: chr10-110821788-C-G. GRCh37 (hg19) VCF-style: chr10-112581546-C-G.
Other names: short protein forms R1057G.
Identifiers: ClinVar variation 1007583 (VCV001007583.12), dbSNP rs199830512, ClinGen allele CA5688734.
Genomic context (GRCh38, chr10:110,821,788, plus strand): 5'-GTTCATCCAGCCCCTACAGTCCAGCAAATGTCTTCCCCTAAGCCAGCAGAGGAGAGGGCC[C>G]GGCAGCCAAGCCCATTTGTGGATGATTGCAAGACCAGGGGGACCCCCGAAGATGGGGCTT-3'
Protein context (NP_001127835.2, residues 1047-1067): SSPKPAEERA[Arg1057Gly]QPSPFVDDCK

ClinVar aggregate classification (germline): Conflicting classifications of pathogenicity. Review status: criteria provided, conflicting classifications (1 of 4 stars). 5 submissions from 5 submitters: Uncertain significance (4); Benign (1). Last evaluated 2025-07-27.

Conditions:
Cardiovascular phenotype. Identifiers: MedGen CN230736.
Dilated cardiomyopathy 1DD (CMD1DD). Identifiers: Orphanet 154, MedGen C2750995, MONDO:0013168, OMIM 613172.

Allele frequency attached by ClinVar (database versions not stated): TOPMed 0.00002.
gnomAD v4.1: 6 of 1,551,600 alleles (0.00039%); highest among the groups gnomAD compares: African/African-American, 0.0082%; no homozygotes.

Submissions (5):

Labcorp Genetics (formerly Invitae), Labcorp
Classification: Benign for Dilated cardiomyopathy 1DD. Last evaluated: 2025-07-27. Review status: criteria provided, single submitter. Criteria: Invitae Variant Classification Sherloc (09022015). Collection method: clinical testing. Allele origin: germline.

Ambry Genetics
Classification: Uncertain significance for Cardiovascular phenotype. Last evaluated: 2024-09-25. Review status: criteria provided, single submitter. Criteria: Ambry Variant Classification Scheme 2023. Collection method: clinical testing. Allele origin: germline.
Comment: The p.R1057G variant (also known as c.3169C>G), located in coding exon 11 of the RBM20 gene, results from a C to G substitution at nucleotide position 3169. The arginine at codon 1057 is replaced by glycine, an amino acid with dissimilar properties. This amino acid position is poorly conserved in available vertebrate species. In addition, this alteration is predicted to be tolerated by in silico analysis. Since supporting evidence is limited at this time, the clinical significance of this alteration remains unclear.

GeneDx
Classification: Uncertain significance. Last evaluated: 2024-08-13. Review status: criteria provided, single submitter. Criteria: GeneDx Variant Classification Process June 2021. Collection method: clinical testing. Allele origin: germline. Affected: yes.
Comment: Has not been previously published as pathogenic or benign to our knowledge; Not observed at significant frequency in large population cohorts (gnomAD); In silico analysis indicates that this missense variant does not alter protein structure/function

Fulgent Genetics
Classification: Uncertain significance for Dilated cardiomyopathy 1DD. Last evaluated: 2021-11-05. Review status: criteria provided, single submitter. Criteria: ACMG Guidelines, 2015. Collection method: clinical testing. Allele origin: unknown.

Blueprint Genetics
Classification: Uncertain significance. Last evaluated: 2020-01-23. Review status: criteria provided, single submitter. Criteria: ACMG Guidelines, 2015. Collection method: clinical testing. Allele origin: germline.